The following is an entry in ClinVar:

ClinVar aggregate classification (germline): Uncertain significance (1 of 4 stars; one submission).

Allele frequency attached by ClinVar (database versions not stated): gnomAD exomes below 0.00001; TOPMed below 0.00001; gnomAD 0.00001.

Submission:

Labcorp Genetics (formerly Invitae), Labcorp
Classification: Uncertain significance. Last evaluated: 2022-10-08. Review status: criteria provided, single submitter. Criteria: Invitae Variant Classification Sherloc (09022015). Collection method: clinical testing. Allele origin: germline.
Comment: In summary, the available evidence is currently insufficient to determine the role of this variant in disease. Therefore, it has been classified as a Variant of Uncertain Significance. Algorithms developed to predict the effect of missense changes on protein structure and function are either unavailable or do not agree on the potential impact of this missense change (SIFT: "Deleterious"; PolyPhen-2: "Benign"; Align-GVGD: "Class C0"). This variant has not been reported in the literature in individuals affected with ZNF408-related conditions. This variant is present in population databases (no rsID available, gnomAD 0.004%). This sequence change replaces glycine, which is neutral and non-polar, with valine, which is neutral and non-polar, at codon 33 of the ZNF408 protein (p.Gly33Val).

NM_024741.3(ZNF408):c.98G>T (p.Gly33Val)

Gene: ZNF408 (zinc finger protein 408; plus strand). Cytogenetic location: 11p11.2.
Variant type: single nucleotide variant.
Coding change: c.98G>T on transcript NM_024741.3 (MANE Select); coding-DNA position 98, G replaced by T.
Protein change: p.Gly33Val; replaces glycine 33 with valine.
Molecular consequence: missense variant.
Genome position (GRCh38, 1-based): chr11:46,701,444, G>T. VCF-style: chr11-46701444-G-T. GRCh37 (hg19) VCF-style: chr11-46722994-G-T.
Other names: c.74G>T, p.Gly25Val (NM_001184751.2); short protein forms G25V, G33V.
Identifiers: ClinVar variation 1927104 (VCV001927104.5), dbSNP rs1395670154, ClinGen allele CA380251512.